The following is an entry in ClinVar:

NM_058216.3(RAD51C):c.863C>G (p.Thr288Arg)

Gene: RAD51C (RAD51 paralog C; plus strand). Cytogenetic location: 17q22.
Variant type: single nucleotide variant.
Coding change: c.863C>G on transcript NM_058216.3 (MANE Select); coding-DNA position 863, C replaced by G.
Protein change: p.Thr288Arg; replaces threonine 288 with arginine.
Molecular consequence: missense variant. On other transcripts: non-coding transcript variant (1).
Genome position (GRCh38, 1-based): chr17:58,720,771, C>G. VCF-style: chr17-58720771-C-G. GRCh37 (hg19) VCF-style: chr17-56798132-C-G.
Other names: short protein forms T288R.
Identifiers: ClinVar variation 1346578 (VCV001346578.8), dbSNP rs2143930483, ClinGen allele CA400359486.
Genomic context (GRCh38, chr17:58,720,771, plus strand): 5'-GACTCACCTAATTTTCTTACATTTTGTTTTTGTAGGTAATTTTAACCAATCAGATGACAA[C>G]AAAGATTGATAGAAATCAGGCCTTGCTTGTTCCTGCATTAGGTGGGTAATTAATCAGATA-3'
Protein context (NP_478123.1, residues 278-298): LAVILTNQMT[Thr288Arg]KIDRNQALLV

ClinVar aggregate classification (germline): Uncertain significance (1 of 4 stars; one submission).

Conditions:
Fanconi anemia complementation group O. Also called: RAD51C-Related Fanconi Anemia. Identifiers: Orphanet 84, MedGen C3150653, MONDO:0013248, OMIM 613390.

Submission:

Labcorp Genetics (formerly Invitae), Labcorp
Classification: Uncertain significance for Fanconi anemia complementation group O. Last evaluated: 2021-04-18. Review status: criteria provided, single submitter. Criteria: Invitae Variant Classification Sherloc (09022015). Collection method: clinical testing. Allele origin: germline.
Comment: Algorithms developed to predict the effect of missense changes on protein structure and function are either unavailable or do not agree on the potential impact of this missense change (SIFT: "Tolerated"; PolyPhen-2: "Probably Damaging"; Align-GVGD: "Class C0"). In summary, the available evidence is currently insufficient to determine the role of this variant in disease. Therefore, it has been classified as a Variant of Uncertain Significance. This variant has not been reported in the literature in individuals with RAD51C-related conditions. This variant is not present in population databases (ExAC no frequency). This sequence change replaces threonine with arginine at codon 288 of the RAD51C protein (p.Thr288Arg). The threonine residue is highly conserved and there is a moderate physicochemical difference between threonine and arginine.